The following is an entry in ClinVar:

ClinVar aggregate classification (germline): Uncertain significance (1 of 4 stars; one submission).

Submission:

GeneDx
Classification: Uncertain significance. Last evaluated: 2024-11-25. Review status: criteria provided, single submitter. Criteria: GeneDx Variant Classification Process June 2021. Collection method: clinical testing. Allele origin: germline. Affected: yes.
Comment: Has not been previously published as pathogenic or benign to our knowledge; Not observed at significant frequency in large population cohorts (gnomAD); In silico analysis supports that this missense variant has a deleterious effect on protein structure/function; Located in the myosin motor domain, a region enriched with missense variants reported in association with HCM (PMID: 27532257, 29300372); This variant is associated with the following publications: (PMID: 27532257, 29300372)

NM_000257.4(MYH7):c.515A>T (p.Gln172Leu)

Gene: MYH7 (myosin heavy chain 7; minus strand). Cytogenetic location: 14q11.2.
Variant type: single nucleotide variant.
Coding change: c.515A>T on transcript NM_000257.4 (MANE Select); coding-DNA position 515, A replaced by T.
Protein change: p.Gln172Leu; replaces glutamine 172 with leucine.
Molecular consequence: missense variant.
Genome position (GRCh38, 1-based): chr14:23,432,494, T>A on the plus strand (A>T on the coding strand, the complement: MYH7 is on the minus strand). VCF-style: chr14-23432494-T-A. GRCh37 (hg19) VCF-style: chr14-23901703-T-A.
Other names: c.515A>T, p.Gln172Leu (NM_001407004.1); short protein forms Q172L.
Identifiers: ClinVar variation 3900217 (VCV003900217.1).
Genomic context (GRCh38, chr14:23,432,494, plus strand): 5'-GATCAGGGAGATTCTGAAAGGGAATACAGTAGCAGCTACACTCACGTGATCAGGATGGAC[T>A]GGTTTTCTCTGTCTGTGGGGAGAGGGTGGGGAGGAAAGGTCAGGAGCTGCACAGGATGCT-3'
Protein context (NP_000248.2, residues 162-182): YQYMLTDREN[Gln172Leu]SILITGESGA